The following is an entry in ClinVar:

NM_020944.3(GBA2):c.1108G>A (p.Gly370Arg)

Gene: GBA2 (glucosylceramidase beta 2; minus strand). Cytogenetic location: 9p13.3.
Variant type: single nucleotide variant.
Coding change: c.1108G>A on transcript NM_020944.3 (MANE Select); coding-DNA position 1108, G replaced by A.
Protein change: p.Gly370Arg; replaces glycine 370 with arginine.
Molecular consequence: missense variant.
Genome position (GRCh38, 1-based): chr9:35,740,547, C>T on the plus strand (G>A on the coding strand, the complement: GBA2 is on the minus strand). VCF-style: chr9-35740547-C-T. GRCh37 (hg19) VCF-style: chr9-35740544-C-T.
Other names: c.1108G>A, p.Gly370Arg (NM_001330660.2); short protein forms G370R.
Identifiers: ClinVar variation 863294 (VCV000863294.9), dbSNP rs1826595849, ClinGen allele CA373415474.
Genomic context (GRCh38, chr9:35,740,547, plus strand): 5'-CCTCTCTTCCCACCATCTCCCAGTCAGACCCCCCATCACCAGTGGGAGAGTCCAGCTGTC[C>T]ATCCTGAAGTAGATCCTGCCACACCTGCTGCCCCGTGCTGTCAGGGTCAAAGGCTGTGAT-3'
Protein context (NP_065995.1, residues 360-380): QQVWQDLLQD[Gly370Arg]QLDSPTGQST

ClinVar aggregate classification (germline): Uncertain significance (1 of 4 stars; one submission).

Conditions:
Spastic paraplegia. Identifiers: MedGen C0037772, HP:0001258.

Submission:

Labcorp Genetics (formerly Invitae), Labcorp
Classification: Uncertain significance for Spastic paraplegia. Last evaluated: 2019-10-31. Review status: criteria provided, single submitter. Criteria: Invitae Variant Classification Sherloc (09022015). Collection method: clinical testing. Allele origin: germline.
Comment: This sequence change replaces glycine with arginine at codon 370 of the GBA2 protein (p.Gly370Arg). The glycine residue is highly conserved and there is a moderate physicochemical difference between glycine and arginine. This variant is not present in population databases (ExAC no frequency). Algorithms developed to predict the effect of missense changes on protein structure and function are either unavailable or do not agree on the potential impact of this missense change (SIFT: "Deleterious"; PolyPhen-2: "Probably Damaging"; Align-GVGD: "Class C0"). In summary, the available evidence is currently insufficient to determine the role of this variant in disease. Therefore, it has been classified as a Variant of Uncertain Significance.